The following is an entry in ClinVar:

NM_015909.4(NBAS):c.1721A>G (p.Tyr574Cys)

Gene: NBAS (NBAS subunit of NRZ tethering complex; minus strand). Cytogenetic location: 2p24.3.
Variant type: single nucleotide variant.
Coding change: c.1721A>G on transcript NM_015909.4 (MANE Select); coding-DNA position 1721, A replaced by G.
Protein change: p.Tyr574Cys; replaces tyrosine 574 with cysteine.
Molecular consequence: missense variant. On other transcripts: non-coding transcript variant (1).
Genome position (GRCh38, 1-based): chr2:15,473,226, T>C on the plus strand (A>G on the coding strand, the complement: NBAS is on the minus strand). VCF-style: chr2-15473226-T-C. GRCh37 (hg19) VCF-style: chr2-15613350-T-C.
Other names: short protein forms Y574C.
Identifiers: ClinVar variation 1954738 (VCV001954738.4), dbSNP rs756343556, ClinGen allele CA1536589.

ClinVar aggregate classification (germline): Uncertain significance (1 of 4 stars; one submission).

Allele frequency attached by ClinVar (database versions not stated): gnomAD 0.00001; ExAC 0.00002; gnomAD exomes 0.00001; TOPMed below 0.00001.
gnomAD v4.1: 5 of 1,613,804 alleles (0.00031%); highest among the groups gnomAD compares: East Asian, 0.011%; no homozygotes.

Submission:

Labcorp Genetics (formerly Invitae), Labcorp
Classification: Uncertain significance. Last evaluated: 2025-09-08. Review status: criteria provided, single submitter. Criteria: Invitae Variant Classification Sherloc (09022015). Collection method: clinical testing. Allele origin: germline.
Comment: This sequence change replaces tyrosine, which is neutral and polar, with cysteine, which is neutral and slightly polar, at codon 574 of the NBAS protein (p.Tyr574Cys). This variant is present in population databases (rs756343556, gnomAD 0.03%). This variant has not been reported in the literature in individuals affected with NBAS-related conditions. ClinVar contains an entry for this variant (Variation ID: 1954738). Invitae Evidence Modeling of protein sequence and biophysical properties (such as structural, functional, and spatial information, amino acid conservation, physicochemical variation, residue mobility, and thermodynamic stability) has been performed for this missense variant. However, the output from this modeling did not meet the statistical confidence thresholds required to predict the impact of this variant on NBAS protein function. In summary, the available evidence is currently insufficient to determine the role of this variant in disease. Therefore, it has been classified as a Variant of Uncertain Significance.